The following is an entry in ClinVar:

NM_001987.5(ETV6):c.571C>G (p.Arg191Gly)

Gene: ETV6 (ETS variant transcription factor 6; plus strand). Cytogenetic location: 12p13.2.
Variant type: single nucleotide variant.
Coding change: c.571C>G on transcript NM_001987.5 (MANE Select); coding-DNA position 571, C replaced by G.
Protein change: p.Arg191Gly; replaces arginine 191 with glycine.
Molecular consequence: missense variant.
Genome position (GRCh38, 1-based): chr12:11,869,531, C>G. VCF-style: chr12-11869531-C-G. GRCh37 (hg19) VCF-style: chr12-12022465-C-G.
Other names: c.568C>G, p.Arg190Gly (NM_001413913.1); c.544C>G, p.Arg182Gly (NM_001413914.1); c.307C>G, p.Arg103Gly (NM_001413915.1); c.571C>G, p.Arg191Gly (NM_001413916.1, NM_001413917.1); short protein forms R103G, R182G, R190G, R191G.
Identifiers: ClinVar variation 4870677 (VCV004870677.1).

ClinVar aggregate classification (germline): Uncertain significance (1 of 4 stars; one submission).

Conditions:
Inborn genetic diseases. Identifiers: MedGen C0950123, MeSH D030342.

Submission:

Ambry Genetics
Classification: Uncertain significance for Inborn genetic diseases. Last evaluated: 2026-05-21. Review status: criteria provided, single submitter. Criteria: Ambry Variant Classification Scheme 2023. Collection method: clinical testing. Allele origin: germline.
Comment: The p.R191G variant (also known as c.571C>G), located in coding exon 5 of the ETV6 gene, results from a C to G substitution at nucleotide position 571. The arginine at codon 191 is replaced by glycine, an amino acid with dissimilar properties. This amino acid position is conserved. In addition, the in silico prediction for this alteration is inconclusive. Based on the available evidence, the clinical significance of this variant remains unclear.